The following is an entry in ClinVar:

NM_000321.3(RB1):c.62del (p.Pro21fs)

Gene: RB1 (RB transcriptional corepressor 1; plus strand). Cytogenetic location: 13q14.2.
Variant type: Deletion.
Coding change: c.62del on transcript NM_000321.3 (MANE Select); coding-DNA position 62, one base deleted (C; older notation c.62delC).
Protein change: p.Pro21fs; shifts the reading frame from proline 21.
Molecular consequence: frameshift variant.
Genome position (GRCh38, 1-based): chr13:48,303,974, C deleted; the last of 5 consecutive C bases (chr13:48,303,970-48,303,974); deleting any one gives the same sequence. VCF-style (leftmost placement, unchanged base first): chr13-48303969-AC-A. GRCh37 (hg19) VCF-style: chr13-48878105-AC-A.
Other names: c.62del, p.Pro21fs (NM_001407165.1, NM_001407166.1, NM_001407167.1); short protein forms P21fs.
Identifiers: ClinVar variation 2565218 (VCV002565218.3), dbSNP rs1469887040, ClinGen allele CA609859321.

ClinVar aggregate classification (germline): Pathogenic. Review status: criteria provided, multiple submitters, no conflicts (2 of 4 stars). 2 submissions from 2 submitters: Pathogenic (2). Last evaluated 2025-08-21.

Conditions:
Hereditary cancer-predisposing syndrome. Also called: Neoplastic Syndromes, Hereditary; Hereditary Cancer Syndrome; Hereditary neoplastic syndrome; Tumor predisposition. Identifiers: Orphanet 140162, MedGen C0027672, MeSH D009386, MONDO:0015356.
Retinoblastoma (RB1). Also called: RETINOBLASTOMA, SOMATIC. Identifiers: Orphanet 790, MedGen C0035335, MeSH D012175, MONDO:0008380, OMIM 180200, HP:0009919. Disease mechanism: loss of function. Inheritance: Both sporadic and heritable forms are tested..

Submissions (2):

Labcorp Genetics (formerly Invitae), Labcorp
Classification: Pathogenic for Retinoblastoma. Last evaluated: 2025-08-21. Review status: criteria provided, single submitter. Criteria: Invitae Variant Classification Sherloc (09022015). Collection method: clinical testing. Allele origin: germline.
Comment: This sequence change creates a premature translational stop signal (p.Pro21Argfs*44) in the RB1 gene. It is expected to result in an absent or disrupted protein product. Loss-of-function variants in RB1 are known to be pathogenic (PMID: 17096365). The frequency data for this variant in the population databases is considered unreliable, as metrics indicate poor data quality at this position in the gnomAD database. This premature translational stop signal has been observed in individual(s) with retinoblastoma (PMID: 34190019). ClinVar contains an entry for this variant (Variation ID: 2565218). For these reasons, this variant has been classified as Pathogenic.

Ambry Genetics
Classification: Pathogenic for Hereditary cancer-predisposing syndrome. Last evaluated: 2023-04-18. Review status: criteria provided, single submitter. Criteria: Ambry Variant Classification Scheme 2023. Collection method: clinical testing. Allele origin: germline.
Comment: The c.62delC pathogenic mutation, located in coding exon 1 of the RB1 gene, results from a deletion of one nucleotide at nucleotide position 62, causing a translational frameshift with a predicted alternate stop codon (p.P21Rfs*44). This alteration has been observed in multiple individuals with a personal and/or family history that is consistent with RB1-related disease (Ambry internal data; Sampieri K et al. J Hum Genet, 2006 Feb;51:209-216; Racher H et al. Cancer Genet, 2016 Jun;209:359-63; Zhang Y et al. Dis Markers, 2021 Jul;2021:9981028). This variant has been determined to be the result of a de novo mutation or germline mosaicism in one individual with RB1-related disease (Fang X et al. Ophthalmic Genet, 2021 Oct;42:593-599). Of note, this alteration is also designated as c.58delC in the published literature. This variant is considered to be rare based on population cohorts in the Genome Aggregation Database (gnomAD). In addition to the clinical data presented in the literature, this alteration is expected to result in loss of function by premature protein truncation or nonsense-mediated mRNA decay. As such, this alteration is interpreted as a disease-causing mutation.

Literature cited by the submitters: PubMed 17096365 (cited by Labcorp Genetics (formerly Invitae), Labcorp); PubMed 34190019 (cited by Labcorp Genetics (formerly Invitae), Labcorp and Ambry Genetics); PubMed 16463005 (cited by Ambry Genetics); PubMed 27318443 (cited by Ambry Genetics); PubMed 34336010 (cited by Ambry Genetics).